The following is an entry in ClinVar:

ClinVar aggregate classification (germline): Uncertain significance (0 of 4 stars; one submission).

Conditions:
SEMA3A-related disorder. Also called: SEMA3A-related condition.

gnomAD v4.1: 3 of 1,610,294 alleles (0.00019%); highest among the groups gnomAD compares: Admixed American, 0.0017%; no homozygotes.

Submission:

PreventionGenetics, part of Exact Sciences
Classification: Uncertain significance for SEMA3A-related condition. Last evaluated: 2024-06-07. Review status: no assertion criteria provided. Collection method: clinical testing. Allele origin: germline.
Comment: The SEMA3A c.1465A>G variant is predicted to result in the amino acid substitution p.Ile489Val. To our knowledge, this variant has not been reported in the literature. This variant is reported in 0.0030% of alleles in individuals of Latino descent in gnomAD. At this time, the clinical significance of this variant is uncertain due to the absence of conclusive functional and genetic evidence.

NM_006080.3(SEMA3A):c.1465A>G (p.Ile489Val)

Gene: SEMA3A (semaphorin 3A; minus strand). Cytogenetic location: 7q21.11.
Variant type: single nucleotide variant.
Coding change: c.1465A>G on transcript NM_006080.3 (MANE Select); coding-DNA position 1465, A replaced by G.
Protein change: p.Ile489Val; replaces isoleucine 489 with valine.
Molecular consequence: missense variant.
Genome position (GRCh38, 1-based): chr7:83,985,465, T>C on the plus strand (A>G on the coding strand, the complement: SEMA3A is on the minus strand). VCF-style: chr7-83985465-T-C. GRCh37 (hg19) VCF-style: chr7-83614781-T-C.
Other names: short protein forms I489V.
Identifiers: ClinVar variation 3345499 (VCV003345499.1).
Genomic context (GRCh38, chr7:83,985,465, plus strand): 5'-GATATTCAATGGTAATACATAATGATAGTACCTGCTTAGTGGAAAGCTCCATTGCTGAAA[T>C]AGCAGTCGGTTCCTAAAGGAGAAAAAGAAATATGTGAGGTGTTTGGTCAATTAGAACAGC-3'
Protein context (NP_006071.1, residues 479-499): EMTVFREPTA[Ile489Val]SAMELSTKQQ